The following is an entry in ClinVar:

NM_000261.2(MYOC):c.1255A>G (p.Thr419Ala)

Gene: MYOC (myocilin; minus strand). Cytogenetic location: 1q24.3.
Variant type: single nucleotide variant.
Coding change: c.1255A>G on transcript NM_000261.2 (MANE Select); coding-DNA position 1255, A replaced by G.
Protein change: p.Thr419Ala; replaces threonine 419 with alanine.
Molecular consequence: missense variant.
Genome position (GRCh38, 1-based): chr1:171,636,185, T>C on the plus strand (A>G on the coding strand, the complement: MYOC is on the minus strand). VCF-style: chr1-171636185-T-C. GRCh37 (hg19) VCF-style: chr1-171605325-T-C.
Other names: NM_000261.2:c.1255A>G; short protein forms T419A.
Identifiers: ClinVar variation 2575096 (VCV002575096.2), dbSNP rs1270841723, ClinGen allele CA343724143.

ClinVar aggregate classification (germline): Uncertain significance (3 of 4 stars; one submission).

Conditions:
Open-angle glaucoma. Identifiers: MedGen C0017612, MONDO:0005338, HP:0012108.

Allele frequency attached by ClinVar (database versions not stated): gnomAD exomes 0.00001.
gnomAD v4.1: 19 of 1,614,142 alleles (0.0012%); highest among the groups gnomAD compares: Non-Finnish European, 0.0015%; no homozygotes.

Submission:

ClinGen Glaucoma Variant Curation Expert Panel
Classification: Uncertain significance for Open-angle glaucoma. Last evaluated: 2026-01-12. Review status: reviewed by expert panel. Criteria: ClinGen Glaucoma ACMG Specifications V2.0.0 Approved. Collection method: curation. Allele origin: germline. Inheritance: Autosomal dominant inheritance.
Comment: The c.1255A>G variant in MYOC is a missense variant predicted to cause substitution of Threonine by Alanine at amino acid 419 (p.Thr419Ala). The highest minor allele frequency of this variant was in the Remaining genetic ancestry group of gnomAD (v4.1.0) = 0.000016 (1 allele out of 62,510), which met the ≤ 0.0001 threshold set for PM2_Supporting in a genetic ancestry group of at least 10,000 alleles. The REVEL score = 0.873, which was within the 0.773-0.931 range for PP3_Moderate, predicting a damaging effect on MYOC function. There was no functional evidence predicting a damaging or benign impact of this variant on MYOC function. 4 individuals with primary open angle glaucoma have been reported carrying this variant (PMID: 30816137, Souzeau et al, 2021 and Albuainain et al, 2021). However, as they each also carry the pathogenic Gln368Ter variant (ClinVar ID:7949, classified pathogenic by the ClinGen Glaucoma VCEP), the role of Thr419Ala could not be established, thus probands were not included and PS4 was not met. In summary, this variant met the criteria to receive a score of 3 and to be classified as a variant of uncertain significance (uncertain significance classification range -1 to 5, adapted from PMID: 32720330) for primary open angle glaucoma based on the ACMG/AMP criteria met, as specified by the ClinGen Glaucoma VCEP (v2.0.0, 5 Dec 2024): PP3_Moderate, PM2_Supporting